The following is an entry in ClinVar:

ClinVar aggregate classification (germline): Likely benign (1 of 4 stars; one submission).

Conditions:
NRP1-related disorder. Also called: NRP1-related condition.

Allele frequency attached by ClinVar (database versions not stated): TOPMed 0.00001; gnomAD 0.00004; ExAC 0.00027; 1000 Genomes Project 0.00040; 1000 Genomes Project 30x 0.00047.
gnomAD v4.1: 132 of 1,613,578 alleles (0.0082%); highest among the groups gnomAD compares: South Asian, 0.14%; no homozygotes.

Submission:

PreventionGenetics, part of Exact Sciences
Classification: Likely benign for NRP1-related condition. Last evaluated: 2026-06-10. Review status: criteria provided, single submitter. Criteria: ACMG Guidelines, 2015. Collection method: clinical testing. Allele origin: germline.
Comment: This variant is classified as likely benign based on ACMG/AMP sequence variant interpretation guidelines (Richards et al. 2015 PMID: 25741868, with internal and published modifications).

NM_003873.7(NRP1):c.465T>A (p.Ser155Arg)

Genes: NRP1 (neuropilin 1; minus strand), LOC126860910 (P300/CBP strongly-dependent group 1 enhancer GRCh37_chr10:33552654-33553853; plus strand). Cytogenetic location: 10p11.22.
Variant type: single nucleotide variant.
Coding change: c.465T>A on transcript NM_003873.7 (MANE Select); coding-DNA position 465, T replaced by A.
Protein change: p.Ser155Arg; replaces serine 155 with arginine.
Molecular consequence: missense variant. On other transcripts: non-coding transcript variant (1).
Genome position (GRCh38, 1-based): chr10:33,263,839, A>T on the plus strand (T>A on the coding strand, the complement: NRP1 is on the minus strand). VCF-style: chr10-33263839-A-T. GRCh37 (hg19) VCF-style: chr10-33552767-A-T.
Other names: c.465T>A, p.Ser155Arg (NM_001244973.2, NM_001330068.2, NM_001024628.3 and 2 more transcripts); short protein forms S155R.
Identifiers: ClinVar variation 2629378 (VCV002629378.2), dbSNP rs559961807, ClinGen allele CA5466944.